The following is an entry in ClinVar:

ClinVar aggregate classification (germline): Uncertain significance (1 of 4 stars; one submission).

gnomAD v4.1: 6 of 1,614,252 alleles (0.00037%); highest among the groups gnomAD compares: Middle Eastern, 0.033%; no homozygotes.

Submission:

Labcorp Genetics (formerly Invitae), Labcorp
Classification: Uncertain significance. Last evaluated: 2022-09-19. Review status: criteria provided, single submitter. Criteria: Invitae Variant Classification Sherloc (09022015). Collection method: clinical testing. Allele origin: germline.
Comment: Algorithms developed to predict the effect of missense changes on protein structure and function are either unavailable or do not agree on the potential impact of this missense change (SIFT: "Deleterious"; PolyPhen-2: "Benign"; Align-GVGD: "Class C0"). This sequence change replaces aspartic acid, which is acidic and polar, with asparagine, which is neutral and polar, at codon 422 of the CDC45 protein (p.Asp422Asn). This variant is present in population databases (no rsID available, gnomAD 0.003%). This variant has not been reported in the literature in individuals affected with CDC45-related conditions. ClinVar contains an entry for this variant (Variation ID: 1464458). In summary, the available evidence is currently insufficient to determine the role of this variant in disease. Therefore, it has been classified as a Variant of Uncertain Significance.

NM_003504.5(CDC45):c.1168G>A (p.Asp390Asn)

Gene: CDC45 (cell division cycle 45; plus strand). Cytogenetic location: 22q11.21.
Variant type: single nucleotide variant.
Coding change: c.1168G>A on transcript NM_003504.5 (MANE Select); coding-DNA position 1168, G replaced by A.
Protein change: p.Asp390Asn; replaces aspartic acid 390 with asparagine.
Molecular consequence: missense variant. On other transcripts: non-coding transcript variant (1).
Genome position (GRCh38, 1-based): chr22:19,508,642, G>A. VCF-style: chr22-19508642-G-A. GRCh37 (hg19) VCF-style: chr22-19496165-G-A.
Other names: c.1264G>A, p.Asp422Asn (NM_001178010.2); c.1030G>A, p.Asp344Asn (NM_001178011.2); c.1132G>A, p.Asp378Asn (NM_001369291.1); short protein forms D344N, D422N, D378N, D390N.
Identifiers: ClinVar variation 1464458 (VCV001464458.6), dbSNP rs375774132, ClinGen allele CA410667795.
Genomic context (GRCh38, chr22:19,508,642, plus strand): 5'-AAGTTTCTGGCCAGCGACGTGGTCTTTGCCACCATGTCTTTGATGGAGAGCCCCGAGAAG[G>A]ATGGCTCAGGGACAGATCACTTCATCCAGGCTCTGGACAGCCTCTCCAGGTAGCAGGAGG-3'
Protein context (NP_003495.1, residues 380-400): TMSLMESPEK[Asp390Asn]GSGTDHFIQA